The following is an entry in ClinVar:

NM_016533.6(NINJ2):c.102G>A (p.Ala34=)

Gene: NINJ2 (ninjurin 2; minus strand). Cytogenetic location: 12p13.33.
Variant type: single nucleotide variant.
Coding change: c.102G>A on transcript NM_016533.6 (MANE Select); coding-DNA position 102, G replaced by A.
Protein change: p.Ala34=; no amino-acid change (alanine 34 retained).
Molecular consequence: synonymous variant. On other transcripts: 5 prime UTR variant (2), non-coding transcript variant (1).
Genome position (GRCh38, 1-based): chr12:566,110, C>T on the plus strand (G>A on the coding strand, the complement: NINJ2 is on the minus strand). VCF-style: chr12-566110-C-T. GRCh37 (hg19) VCF-style: chr12-675276-C-T.
Other names: c.81G>A, p.Ala27= (NM_001294345.2); c.-7G>A (NM_001294346.2, NM_001367996.1).
Identifiers: ClinVar variation 2642565 (VCV002642565.24), dbSNP rs148862998, ClinGen allele CA6381605.

ClinVar aggregate classification (germline): Likely benign (1 of 4 stars; one submission).

Allele frequency attached by ClinVar (database versions not stated): gnomAD 0.00003; TOPMed 0.00003; gnomAD exomes 0.00004; ExAC 0.00005; ESP Exome Variant Server 0.00015.
gnomAD v4.1: 70 of 1,614,058 alleles (0.0043%); highest among the groups gnomAD compares: East Asian, 0.02%; no homozygotes.

Submission:

CeGaT Center for Human Genetics Tuebingen
Classification: Likely benign. Last evaluated: 2022-08-01. Review status: criteria provided, single submitter. Criteria: CeGaT Center For Human Genetics Tuebingen Variant Classification Criteria Version 2. Collection method: clinical testing. Allele origin: germline. Affected: yes. Observed: 1 variant allele.
Comment: NINJ2: BP4, BP7